The following is an entry in ClinVar:

ClinVar aggregate classification (germline): Uncertain significance (1 of 4 stars; one submission).

Conditions:
Glanzmann thrombasthenia. Also called: BLEEDING DISORDER, PLATELET-TYPE, 2; THROMBASTHENIA OF GLANZMANN AND NAEGELI; PLATELET GLYCOPROTEIN IIb-IIIa DEFICIENCY; Thrombasthenia; Glanzmann's thrombasthenia. Identifiers: Orphanet 849, MedGen C0040015, MONDO:0100326.

Submission:

Labcorp Genetics (formerly Invitae), Labcorp
Classification: Uncertain significance for Glanzmann thrombasthenia. Last evaluated: 2025-07-24. Review status: criteria provided, single submitter. Criteria: Invitae Variant Classification Sherloc (09022015). Collection method: clinical testing. Allele origin: germline.
Comment: This sequence change replaces glycine, which is neutral and non-polar, with serine, which is neutral and polar, at codon 821 of the ITGA2B protein (p.Gly821Ser). This variant is not present in population databases (gnomAD no frequency). This variant has not been reported in the literature in individuals affected with ITGA2B-related conditions. Invitae Evidence Modeling of protein sequence and biophysical properties (such as structural, functional, and spatial information, amino acid conservation, physicochemical variation, residue mobility, and thermodynamic stability) indicates that this missense variant is expected to disrupt ITGA2B protein function with a positive predictive value of 95%. In summary, the available evidence is currently insufficient to determine the role of this variant in disease. Therefore, it has been classified as a Variant of Uncertain Significance.

NM_000419.5(ITGA2B):c.2461G>A (p.Gly821Ser)

Gene: ITGA2B (integrin subunit alpha 2b; minus strand). Cytogenetic location: 17q21.31.
Variant type: single nucleotide variant.
Coding change: c.2461G>A on transcript NM_000419.5 (MANE Select); coding-DNA position 2461, G replaced by A.
Protein change: p.Gly821Ser; replaces glycine 821 with serine.
Molecular consequence: missense variant.
Genome position (GRCh38, 1-based): chr17:44,375,973, C>T on the plus strand (G>A on the coding strand, the complement: ITGA2B is on the minus strand). VCF-style: chr17-44375973-C-T. GRCh37 (hg19) VCF-style: chr17-42453341-C-T.
Other names: short protein forms G821S.
Identifiers: ClinVar variation 4804274 (VCV004804274.1).